The following is an entry in ClinVar:

NM_015662.3(IFT172):c.2672_2680del (p.Leu891_Ala893del)

Genes: IFT172 (intraflagellar transport 172; minus strand), LOC126806174 (CDK7 strongly-dependent group 2 enhancer GRCh37_chr2:27681686-27682885; plus strand). Cytogenetic location: 2p23.3.
Variant type: Deletion.
Coding change: c.2672_2680del on transcript NM_015662.3 (MANE Select); coding-DNA positions 2672 to 2680, 9 bases deleted (TGGGTGCCC; older notation c.2672_2680delTGGGTGCCC).
Protein change: p.Leu891_Ala893del.
Molecular consequence: inframe deletion.
Genome position (GRCh38, 1-based): chr2:27,459,485-27,459,493, GGGCACCCA deleted on the plus strand (TGGGTGCCC on the coding strand, the reverse complement: IFT172 is on the minus strand); deleting any 9 consecutive bases within chr2:27,459,485-27,459,497 gives the same sequence; the c. name uses the placement nearest the transcript's 3' end. VCF-style (leftmost placement, unchanged base first): chr2-27459484-CGGGCACCCA-C. GRCh37 (hg19) VCF-style: chr2-27682351-CGGGCACCCA-C.
Other names: c.2672_2680del9 (NM_015662.2).
Identifiers: ClinVar variation 1052739 (VCV001052739.8), dbSNP rs1169567028, ClinGen allele CA346382371.
Genomic context (GRCh38, chr2:27,459,484, plus strand): 5'-TATTTGGATGCAGTGTTCCGGTCCTGTAGATCTAATATATAAATTGCCTTCTTCCACTGG[CGGGCACCCA>C]GGGCGGCCTCAATTGCCTTAATGGAGCACCTGGCAAAGTTGGGAAAGATATAAATATGTA-3'

ClinVar aggregate classification (germline): Uncertain significance. Review status: criteria provided, multiple submitters, no conflicts (2 of 4 stars). 4 submissions from 4 submitters: Uncertain significance (3). 1 of the submissions does not count toward it. Last evaluated 2024-02-27.

Conditions:
Retinitis pigmentosa 71 (RP71). Identifiers: Orphanet 791, MedGen C4225342, MONDO:0014618, OMIM 616394.
Short-rib thoracic dysplasia 10 with or without polydactyly (SRTD10). Identifiers: Orphanet 474, MedGen C3810175, MONDO:0014284, OMIM 615630.
Bardet-Biedl syndrome 20. Identifiers: MedGen C4310707, MONDO:0023670, OMIM 619471, MONDO:0014926.
IFT172-related disorder. Also called: IFT172-related disorders; IFT172-related condition.

Submissions (4):

Fulgent Genetics
Classification: Uncertain significance for Short-rib thoracic dysplasia 10 with or without polydactyly; Retinitis pigmentosa 71; Bardet-Biedl syndrome 20. Last evaluated: 2024-02-27. Review status: criteria provided, single submitter. Criteria: ACMG Guidelines, 2015. Collection method: clinical testing. Allele origin: germline.

Labcorp Genetics (formerly Invitae), Labcorp
Classification: Uncertain significance for Retinitis pigmentosa 71; Short-rib thoracic dysplasia 10 with or without polydactyly. Last evaluated: 2022-08-31. Review status: criteria provided, single submitter. Criteria: Invitae Variant Classification Sherloc (09022015). Collection method: clinical testing. Allele origin: germline.
Comment: In summary, the available evidence is currently insufficient to determine the role of this variant in disease. Therefore, it has been classified as a Variant of Uncertain Significance. Experimental studies and prediction algorithms are not available or were not evaluated, and the functional significance of this variant is currently unknown. ClinVar contains an entry for this variant (Variation ID: 1052739). This variant has not been reported in the literature in individuals affected with IFT172-related conditions. This variant is not present in population databases (gnomAD no frequency). This variant, c.2672_2680del, results in the deletion of 3 amino acid(s) of the IFT172 protein (p.Leu891_Ala893del), but otherwise preserves the integrity of the reading frame.

Blueprint Genetics
Classification: Uncertain significance. Last evaluated: 2020-02-24. Review status: criteria provided, single submitter. Criteria: ACMG Guidelines, 2015. Collection method: clinical testing. Allele origin: germline.

PreventionGenetics, part of Exact Sciences
Classification: Uncertain significance for IFT172-related condition. Last evaluated: 2023-10-27. Review status: no assertion criteria provided. Collection method: clinical testing. Allele origin: germline. Not counted in ClinVar's aggregate classification.
Comment: The IFT172 c.2672_2680del9 variant is predicted to result in an in-frame deletion (p.Leu891_Ala893del). To our knowledge, this variant has not been reported in the literature or in a large population database, indicating this variant is rare. At this time, the clinical significance of this variant is uncertain due to the absence of conclusive functional and genetic evidence.